The following is an entry in ClinVar:

NM_178172.6(GPIHBP1):c.475G>A (p.Gly159Ser)

Gene: GPIHBP1 (glycosylphosphatidylinositol anchored high density lipoprotein binding protein 1; plus strand). Cytogenetic location: 8q24.3.
Variant type: single nucleotide variant.
Coding change: c.475G>A on transcript NM_178172.6 (MANE Select); coding-DNA position 475, G replaced by A.
Protein change: p.Gly159Ser; replaces glycine 159 with serine.
Molecular consequence: missense variant. On other transcripts: intron variant (1).
Genome position (GRCh38, 1-based): chr8:143,215,438, G>A. VCF-style: chr8-143215438-G-A. GRCh37 (hg19) VCF-style: chr8-144297313-G-A.
Other names: c.375+100G>A (NM_001301772.2); short protein forms G159S.
Identifiers: ClinVar variation 2904524 (VCV002904524.1), dbSNP rs564622687, ClinGen allele CA4907137.

ClinVar aggregate classification (germline): Uncertain significance (1 of 4 stars; one submission).

Allele frequency attached by ClinVar (database versions not stated): ExAC 0.00002; TOPMed 0.00005; gnomAD 0.00007; gnomAD exomes 0.00007; 1000 Genomes Project 30x 0.00016; 1000 Genomes Project 0.00020.
gnomAD v4.1: 114 of 1,612,554 alleles (0.0071%); highest among the groups gnomAD compares: Non-Finnish European, 0.0086%; no homozygotes.

Submission:

Labcorp Genetics (formerly Invitae), Labcorp
Classification: Uncertain significance. Last evaluated: 2023-10-05. Review status: criteria provided, single submitter. Criteria: Invitae Variant Classification Sherloc (09022015). Collection method: clinical testing. Allele origin: germline.
Comment: This sequence change replaces glycine, which is neutral and non-polar, with serine, which is neutral and polar, at codon 159 of the GPIHBP1 protein (p.Gly159Ser). This variant is present in population databases (rs564622687, gnomAD 0.004%). This missense change has been observed in individual(s) with clinical features of hyperlipoproteinemia type 1D (PMID: 31669931, 33303402). Algorithms developed to predict the effect of missense changes on protein structure and function output the following: SIFT: "Not Available"; PolyPhen-2: "Benign"; Align-GVGD: "Not Available". The serine amino acid residue is found in multiple mammalian species, which suggests that this missense change does not adversely affect protein function. In summary, the available evidence is currently insufficient to determine the role of this variant in disease. Therefore, it has been classified as a Variant of Uncertain Significance.

Literature cited by the submitters: PubMed 31669931; PubMed 33303402.